The following is an entry in ClinVar:

ClinVar aggregate classification (germline): Likely pathogenic (1 of 4 stars; one submission).

Conditions:
Hereditary cancer-predisposing syndrome. Also called: Tumor predisposition; Hereditary neoplastic syndrome; Neoplastic Syndromes, Hereditary; Hereditary Cancer Syndrome. Identifiers: Orphanet 140162, MedGen C0027672, MeSH D009386, MONDO:0015356.

Submission:

Ambry Genetics
Classification: Likely pathogenic for Hereditary cancer-predisposing syndrome. Last evaluated: 2026-04-03. Review status: criteria provided, single submitter. Criteria: Ambry Variant Classification Scheme 2023. Collection method: clinical testing. Allele origin: germline.
Comment: The p.M103R variant (also known as c.308T>G), located in coding exon 4 of the SDHB gene, results from a T to G substitution at nucleotide position 308. The methionine at codon 103 is replaced by arginine, an amino acid with similar properties. This variant was reported in individual(s) with features consistent with SDHB-related hereditary pheochromocytoma-paraganglioma (Ambry internal data). This amino acid position is highly conserved in available vertebrate species. In addition, this alteration is predicted to be deleterious by in silico analysis. Based on the majority of available evidence to date, this variant is likely to be pathogenic.

NM_003000.3(SDHB):c.308T>G (p.Met103Arg)

Gene: SDHB (succinate dehydrogenase complex iron sulfur subunit B; minus strand). Cytogenetic location: 1p36.13.
Variant type: single nucleotide variant.
Coding change: c.308T>G on transcript NM_003000.3 (MANE Select); coding-DNA position 308, T replaced by G.
Protein change: p.Met103Arg; replaces methionine 103 with arginine.
Molecular consequence: missense variant.
Genome position (GRCh38, 1-based): chr1:17,028,715, A>C on the plus strand (T>G on the coding strand, the complement: SDHB is on the minus strand). VCF-style: chr1-17028715-A-C. GRCh37 (hg19) VCF-style: chr1-17355210-A-C.
Other names: short protein forms M103R.
Identifiers: ClinVar variation 480773 (VCV000480773.6), dbSNP rs1553177765, ClinGen allele CA338275051.